The following is an entry in ClinVar:

NC_000006.11:g.(70410762_70411334)_(70411846_70423536)del

Gene: LMBRD1 (LMBR1 domain containing 1; minus strand). Cytogenetic location: 6q13.
Variant type: Deletion.
Identifiers: ClinVar variation 3375014 (VCV003375014.1).

ClinVar aggregate classification (germline): Uncertain significance (1 of 4 stars; one submission).

Submission:

Women's Health and Genetics/Laboratory Corporation of America, LabCorp
Classification: Uncertain significance. Last evaluated: 2024-09-06. Review status: criteria provided, single submitter. Criteria: LabCorp Variant Classification Summary - May 2015. Collection method: clinical testing. Allele origin: germline.
Comment: Variant summary: The variant involves the deletion of exons 10-11 in the LMBRD1 gene. A presumed nomenclature of c.(915+1_916-1)_(1083+1_1084-1)del has been designated for the purposes of this classification. This Copy Number Variant (CNV) is predicted to result in an in-frame deletion within this gene. The variant was absent in 21666 control chromosomes. The available data on variant occurrences in the general population are insufficient to allow any conclusion about variant significance. To our knowledge, no occurrence of c.(915+1_916-1)_(1083+1_1084-1)del in individuals affected with Methylmalonic Acidemia With Homocystinuria and no experimental evidence demonstrating its impact on protein function have been reported. No submitters have cited clinical-significance assessments for this variant to ClinVar. Based on the evidence outlined above, the variant was classified as uncertain significance.